The following is an entry in ClinVar:

ClinVar aggregate classification (germline): Uncertain significance. Review status: criteria provided, multiple submitters, no conflicts (2 of 4 stars). 2 submissions from 2 submitters: Uncertain significance (2). Last evaluated 2026-08-18.

Conditions:
Hereditary cancer-predisposing syndrome. Also called: Neoplastic Syndromes, Hereditary; Hereditary Cancer Syndrome; Hereditary neoplastic syndrome; Tumor predisposition. Identifiers: Orphanet 140162, MedGen C0027672, MeSH D009386, MONDO:0015356.
Hereditary nonpolyposis colorectal neoplasms. Identifiers: MedGen C0009405, MeSH D003123.

Submissions (2):

Ambry Genetics
Classification: Uncertain significance for Hereditary cancer-predisposing syndrome. Last evaluated: 2026-08-18. Review status: criteria provided, single submitter. Criteria: Ambry Variant Classification Scheme 2023. Collection method: clinical testing. Allele origin: germline.
Comment: The p.T103I variant (also known as c.308C>T), located in coding exon 4 of the PMS2 gene, results from a C to T substitution at nucleotide position 308. The threonine at codon 103 is replaced by isoleucine, an amino acid with similar properties. This amino acid position is highly conserved in available vertebrate species. In addition, this alteration is predicted to be deleterious by in silico analysis. Based on the available evidence, the clinical significance of this variant remains unclear.

Labcorp Genetics (formerly Invitae), Labcorp
Classification: Uncertain significance for Hereditary nonpolyposis colorectal neoplasms. Last evaluated: 2022-12-11. Review status: criteria provided, single submitter. Criteria: Invitae Variant Classification Sherloc (09022015). Collection method: clinical testing. Allele origin: germline.
Comment: In summary, the available evidence is currently insufficient to determine the role of this variant in disease. Therefore, it has been classified as a Variant of Uncertain Significance. Advanced modeling of protein sequence and biophysical properties (such as structural, functional, and spatial information, amino acid conservation, physicochemical variation, residue mobility, and thermodynamic stability) performed at Invitae indicates that this missense variant is expected to disrupt PMS2 protein function. ClinVar contains an entry for this variant (Variation ID: 573735). This variant has not been reported in the literature in individuals affected with PMS2-related conditions. This variant is not present in population databases (gnomAD no frequency). This sequence change replaces threonine, which is neutral and polar, with isoleucine, which is neutral and non-polar, at codon 103 of the PMS2 protein (p.Thr103Ile).

NM_000535.7(PMS2):c.308C>T (p.Thr103Ile)

Gene: PMS2 (PMS1 homolog 2, mismatch repair system component; minus strand). Cytogenetic location: 7p22.1.
Variant type: single nucleotide variant.
Coding change: c.308C>T on transcript NM_000535.7 (MANE Select); coding-DNA position 308, C replaced by T.
Protein change: p.Thr103Ile; replaces threonine 103 with isoleucine.
Molecular consequence: missense variant. On other transcripts: intron variant (2), 5 prime UTR variant (9), non-coding transcript variant (1).
Genome position (GRCh38, 1-based): chr7:6,003,735, G>A on the plus strand (C>T on the coding strand, the complement: PMS2 is on the minus strand). VCF-style: chr7-6003735-G-A. GRCh37 (hg19) VCF-style: chr7-6043366-G-A.
Other names: c.35+237C>T (NM_001322008.2, NM_001322007.2); c.-98C>T (NM_001322003.2, NM_001322004.2, NM_001322005.2 and 3 more transcripts); c.308C>T, p.Thr103Ile (NM_001322006.2, NM_001322014.2); c.-577C>T (NM_001322011.2, NM_001322012.2); c.-177C>T (NM_001322015.2); short protein forms T103I.
Identifiers: ClinVar variation 573735 (VCV000573735.11), dbSNP rs1562693788, ClinGen allele CA366744608.
Genomic context (GRCh38, chr7:6,003,735, plus strand): 5'-AAAATATTGTATCACCTCAGTGCACAAAGTGAGCTCAGAGCTTCCCCCCGAAAGCCAAAA[G>A]TTTCAACCTGAGTTAGGTCGGCAAACTCTTGAATCTTAGATGTGTGATGTTTCAGAGCTG-3'
Protein context (NP_000526.2, residues 93-113): QEFADLTQVE[Thr103Ile]FGFRGEALSS